The following is an entry in ClinVar:

NM_002334.4(LRP4):c.*7A>G

Genes: LRP4 (LDL receptor related protein 4; minus strand), LRP4-AS1 (LRP4 antisense RNA 1; plus strand). Cytogenetic location: 11p11.2.
Variant type: single nucleotide variant.
Coding change: c.*7A>G on transcript NM_002334.4 (MANE Select); 7 bases downstream of the stop codon, A replaced by G.
Molecular consequence: 3 prime UTR variant.
Genome position (GRCh38, 1-based): chr11:46,858,976, T>C on the plus strand (A>G on the coding strand, the complement: LRP4 is on the minus strand). VCF-style: chr11-46858976-T-C. GRCh37 (hg19) VCF-style: chr11-46880527-T-C.
Identifiers: ClinVar variation 4996125 (VCV004996125.1).
Genomic context (GRCh38, chr11:46,858,976, plus strand): 5'-GCGAGCACAAGGACTAGACGTCCATAAAGGAGAAGGAACAGGCAGGCAGGGAAGAGAATG[T>C]GGGCATTTAGACCTGGCTCTCTGAGGAGAGCTTGCGTTCATGTTTCCAGCCCGTGTCTGG-3'

ClinVar aggregate classification (germline): Likely benign (1 of 4 stars; one submission).

Conditions:
LRP4-related disorder. Also called: LRP4-related condition.

Submission:

PreventionGenetics, part of Exact Sciences
Classification: Likely benign for LRP4-related condition. Last evaluated: 2025-10-13. Review status: criteria provided, single submitter. Criteria: ACMG Guidelines, 2015. Collection method: clinical testing. Allele origin: germline.
Comment: This variant is classified as likely benign based on ACMG/AMP sequence variant interpretation guidelines (Richards et al. 2015 PMID: 25741868, with internal and published modifications).